The following is an entry in ClinVar:

ClinVar aggregate classification (germline): Uncertain significance. Review status: criteria provided, multiple submitters, no conflicts (2 of 4 stars). 8 submissions from 8 submitters: Uncertain significance (7). 1 of the submissions does not count toward it. Last evaluated 2025-10-21.

Conditions:
Hereditary cancer-predisposing syndrome. Also called: Neoplastic Syndromes, Hereditary; Tumor predisposition; Hereditary neoplastic syndrome; Hereditary Cancer Syndrome. Identifiers: Orphanet 140162, MedGen C0027672, MeSH D009386, MONDO:0015356.
Familial cancer of breast. Also called: BREAST CANCER, FAMILIAL; Hereditary breast cancer; hereditary breast carcinoma. Identifiers: Orphanet 227535, MedGen C0346153, MONDO:0016419, OMIM 114480. Disease mechanism: loss of function.
Ataxia-telangiectasia syndrome (AT). Also called: Cerebello-oculocutaneous telangiectasia; Immunodeficiency with ataxia telangiectasia; Ataxia-telangiectasia; Ataxia telangiectasia (A-T); LOUIS-BAR SYNDROME; Ataxia-telangiectasia, complementation group D. Identifiers: Orphanet 100, MedGen C0004135, MONDO:0008840, OMIM 208900.
Hereditary breast ovarian cancer syndrome. Also called: Hereditary breast and ovarian cancer; Hereditary breast and ovarian cancer syndrome (HBOC); BRCA1- and BRCA2-Associated Hereditary Breast and Ovarian Cancer; Hereditary breast and/or ovarian cancer syndrome; Breast and ovarian cancer; Hereditary breast and ovarian cancer syndrome. Identifiers: Orphanet 145, MedGen C0677776, MeSH D061325, MONDO:0003582. Disease mechanism: loss of function.

Allele frequency attached by ClinVar (database versions not stated): gnomAD exomes below 0.00001; TOPMed below 0.00001.
gnomAD v4.1: 6 of 1,613,998 alleles (0.00037%); highest among the groups gnomAD compares: East Asian, 0.0022%; no homozygotes.

Submissions (8):

Labcorp Genetics (formerly Invitae), Labcorp
Classification: Uncertain significance for Ataxia-telangiectasia syndrome. Last evaluated: 2025-10-21. Review status: criteria provided, single submitter. Criteria: Invitae Variant Classification Sherloc (09022015). Collection method: clinical testing. Allele origin: germline.
Comment: This sequence change replaces threonine, which is neutral and polar, with alanine, which is neutral and non-polar, at codon 1685 of the ATM protein (p.Thr1685Ala). This variant is present in population databases (no rsID available, gnomAD 0.006%). This variant has not been reported in the literature in individuals affected with ATM-related conditions. ClinVar contains an entry for this variant (Variation ID: 246323). Invitae Evidence Modeling of protein sequence and biophysical properties (such as structural, functional, and spatial information, amino acid conservation, physicochemical variation, residue mobility, and thermodynamic stability) indicates that this missense variant is not expected to disrupt ATM protein function with a negative predictive value of 95%. In summary, the available evidence is currently insufficient to determine the role of this variant in disease. Therefore, it has been classified as a Variant of Uncertain Significance.

Ambry Genetics
Classification: Uncertain significance for Hereditary cancer-predisposing syndrome. Last evaluated: 2025-03-26. Review status: criteria provided, single submitter. Criteria: Ambry Variant Classification Scheme 2023. Collection method: clinical testing. Allele origin: germline.
Comment: The p.T1685A variant (also known as c.5053A>G), located in coding exon 33 of the ATM gene, results from an A to G substitution at nucleotide position 5053. The threonine at codon 1685 is replaced by alanine, an amino acid with similar properties. This amino acid position is highly conserved in available vertebrate species. In addition, the in silico prediction for this alteration is inconclusive. Based on the available evidence, the clinical significance of this variant remains unclear.

Fulgent Genetics
Classification: Uncertain significance for Familial cancer of breast; Ataxia-telangiectasia syndrome. Last evaluated: 2024-01-11. Review status: criteria provided, single submitter. Criteria: ACMG Guidelines, 2015. Collection method: clinical testing. Allele origin: germline.

GeneDx
Classification: Uncertain significance. Last evaluated: 2023-10-27. Review status: criteria provided, single submitter. Criteria: GeneDx Variant Classification Process June 2021. Collection method: clinical testing. Allele origin: germline. Affected: yes.
Comment: Not observed at significant frequency in large population cohorts (gnomAD); In silico analysis supports that this missense variant has a deleterious effect on protein structure/function; Observed in an individual with breast cancer (PMID: 32091409); This variant is associated with the following publications: (PMID: 32091409)

Baylor Genetics
Classification: Uncertain significance for Familial cancer of breast. Last evaluated: 2023-05-18. Review status: criteria provided, single submitter. Criteria: ACMG Guidelines, 2015. Collection method: clinical testing. Allele origin: unknown.

Mendelics
Classification: Uncertain significance for Ataxia-telangiectasia syndrome. Last evaluated: 2019-05-28. Review status: criteria provided, single submitter. Criteria: Mendelics Assertion Criteria 2017. Collection method: clinical testing. Allele origin: unknown.

Pittsburgh Clinical Genomics Laboratory, University of Pittsburgh Medical Center
Classification: Uncertain significance for Hereditary Breast and Ovarian Cancer Syndrome. Last evaluated: 2018-06-22. Review status: criteria provided, single submitter. Criteria: ACMG Guidelines, 2015. Collection method: clinical testing. Allele origin: germline. Affected: yes. Observed: 1 variant allele.
Comment: This sequence variant is a single nucleotide substitution (A>G) that results in a threonine to alanine amino acid change at residue 1685 in the ATM protein. The variant is rare, and is absent from the ExAC database. It is present in the gnomAD database in 1/245964 alleles (0.0004066%). The variant is not, to our knowledge, mentioned in the literature among cancer patients or healthy controls. The variant does not lie in a known ATM functional domain. The threonine residue at position 1685 is highly conserved among vertebrate species, and is present in 91/92 vertebrates analyzed. In silico prediction models are inconsistent in their predictions on whether or not this change will negatively affect protein function, and no studies on the effect of this variant on protein function have been performed. Given the lack of information about this variant, it is unclear whether it is pathogenic or benign. Thus, it is a variant of uncertain significance.

Natera, Inc.
Classification: Uncertain significance for Ataxia-telangiectasia. Last evaluated: 2020-10-06. Review status: no assertion criteria provided. Collection method: clinical testing. Allele origin: germline. Not counted in ClinVar's aggregate classification.

NM_000051.4(ATM):c.5053A>G (p.Thr1685Ala)

Gene: ATM (ATM serine/threonine kinase; plus strand). Cytogenetic location: 11q22.3.
Variant type: single nucleotide variant.
Coding change: c.5053A>G on transcript NM_000051.4 (MANE Select); coding-DNA position 5053, A replaced by G.
Protein change: p.Thr1685Ala; replaces threonine 1685 with alanine.
Molecular consequence: missense variant.
Genome position (GRCh38, 1-based): chr11:108,299,761, A>G. VCF-style: chr11-108299761-A-G. GRCh37 (hg19) VCF-style: chr11-108170488-A-G.
Other names: c.5053A>G, p.Thr1685Ala (NM_001351834.2); short protein forms T1685A.
Identifiers: ClinVar variation 246323 (VCV000246323.25), dbSNP rs879254205, ClinGen allele CA10584344.